The following is an entry in ClinVar:

NM_000540.3(RYR1):c.13659+6G>A

Gene: RYR1 (ryanodine receptor 1; plus strand). Cytogenetic location: 19q13.2.
Variant type: single nucleotide variant.
Coding change: c.13659+6G>A on transcript NM_000540.3 (MANE Select); 6 bases into the intron after coding-DNA position 13659, G replaced by A.
Molecular consequence: intron variant.
Genome position (GRCh38, 1-based): chr19:38,567,923, G>A. VCF-style: chr19-38567923-G-A. GRCh37 (hg19) VCF-style: chr19-39058563-G-A.
Other names: c.13644+6G>A (NM_001042723.2).
Identifiers: ClinVar variation 1357957 (VCV001357957.5), dbSNP rs2145855847, ClinGen allele CA2573156350.

ClinVar aggregate classification (germline): Uncertain significance (1 of 4 stars; one submission).

Conditions:
RYR1-related disorder. Also called: RYR1-related condition; RYR1-related disorders. Identifiers: MedGen CN239331.

Submission:

Labcorp Genetics (formerly Invitae), Labcorp
Classification: Uncertain significance for RYR1-related disorder. Last evaluated: 2021-06-09. Review status: criteria provided, single submitter. Criteria: Invitae Variant Classification Sherloc (09022015). Collection method: clinical testing. Allele origin: germline.
Comment: In summary, the available evidence is currently insufficient to determine the role of this variant in disease. Therefore, it has been classified as a Variant of Uncertain Significance. Nucleotide substitutions within the consensus splice site are a relatively common cause of aberrant splicing (PMID: 17576681, 9536098). Algorithms developed to predict the effect of sequence changes on RNA splicing suggest that this variant is not likely to affect RNA splicing, but this prediction has not been confirmed by published transcriptional studies. This variant has not been reported in the literature in individuals with RYR1-related conditions. This variant is not present in population databases (ExAC no frequency). This sequence change falls in intron 93 of the RYR1 gene. It does not directly change the encoded amino acid sequence of the RYR1 protein. It affects a nucleotide within the consensus splice site of the intron.

Literature cited by the submitters: PubMed 17576681; PubMed 9536098.